The following is an entry in ClinVar:

ClinVar aggregate classification (germline): Conflicting classifications of pathogenicity. Review status: criteria provided, conflicting classifications (1 of 4 stars). 2 submissions from 2 submitters: Uncertain significance (1); Likely benign (1). Last evaluated 2022-11-01.

Allele frequency attached by ClinVar (database versions not stated): ExAC 0.00005; gnomAD 0.00007; ESP Exome Variant Server 0.00009; gnomAD exomes 0.00015; TOPMed 0.00018.

Submissions (2):

CeGaT Center for Human Genetics Tuebingen
Classification: Likely benign. Last evaluated: 2022-11-01. Review status: criteria provided, single submitter. Criteria: CeGaT Center For Human Genetics Tuebingen Variant Classification Criteria Version 2. Collection method: clinical testing. Allele origin: germline. Affected: yes. Observed: 1 variant allele.
Comment: PLXNB3: BP4, BS2

Ambry Genetics
Classification: Uncertain significance. Last evaluated: 2021-08-16. Review status: criteria provided, single submitter. Criteria: Ambry Variant Classification Scheme 2023. Collection method: clinical testing. Allele origin: germline.

NM_005393.3(PLXNB3):c.3289G>A (p.Val1097Ile)

Gene: PLXNB3 (plexin B3; plus strand). Cytogenetic location: Xq28.
Variant type: single nucleotide variant.
Coding change: c.3289G>A on transcript NM_005393.3 (MANE Select); coding-DNA position 3289, G replaced by A.
Protein change: p.Val1097Ile; replaces valine 1097 with isoleucine.
Molecular consequence: missense variant.
Genome position (GRCh38, 1-based): chrX:153,773,868, G>A. VCF-style: chrX-153773868-G-A. GRCh37 (hg19) VCF-style: chrX-153039323-G-A.
Other names: c.3358G>A, p.Val1120Ile (NM_001163257.2); short protein forms V1097I, V1120I.
Identifiers: ClinVar variation 2321292 (VCV002321292.26), dbSNP rs374773455, ClinGen allele CA337234731.